The following is an entry in ClinVar:

NM_002528.7(NTHL1):c.281T>C (p.Met94Thr)

Gene: NTHL1 (nth like DNA glycosylase 1; minus strand). Cytogenetic location: 16p13.3.
Variant type: single nucleotide variant.
Coding change: c.281T>C on transcript NM_002528.7 (MANE Select); coding-DNA position 281, T replaced by C.
Protein change: p.Met94Thr; replaces methionine 94 with threonine.
Molecular consequence: missense variant. On other transcripts: intron variant (1).
Genome position (GRCh38, 1-based): chr16:2,046,201, A>G on the plus strand (T>C on the coding strand, the complement: NTHL1 is on the minus strand). VCF-style: chr16-2046201-A-G. GRCh37 (hg19) VCF-style: chr16-2096202-A-G.
Other names: c.281T>C, p.Met94Thr (LRG_1366t1, NM_001318193.2); c.305T>C (NM_002528.5); c.24+79T>C (NM_001318194.2); short protein forms M94T.
Identifiers: ClinVar variation 662180 (VCV000662180.9), dbSNP rs1596222785, ClinGen allele CA394295718.

ClinVar aggregate classification (germline): Uncertain significance. Review status: criteria provided, multiple submitters, no conflicts (2 of 4 stars). 2 submissions from 2 submitters: Uncertain significance (2). Last evaluated 2025-03-20.

Conditions:
Hereditary cancer-predisposing syndrome. Also called: Neoplastic Syndromes, Hereditary; Tumor predisposition; Hereditary neoplastic syndrome; Hereditary Cancer Syndrome. Identifiers: Orphanet 140162, MedGen C0027672, MeSH D009386, MONDO:0015356.

Submissions (2):

Labcorp Genetics (formerly Invitae), Labcorp
Classification: Uncertain significance. Last evaluated: 2025-03-20. Review status: criteria provided, single submitter. Criteria: Invitae Variant Classification Sherloc (09022015). Collection method: clinical testing. Allele origin: germline.
Comment: This sequence change replaces methionine, which is neutral and non-polar, with threonine, which is neutral and polar, at codon 102 of the NTHL1 protein (p.Met102Thr). This variant is not present in population databases (gnomAD no frequency). This variant has not been reported in the literature in individuals affected with NTHL1-related conditions. ClinVar contains an entry for this variant (Variation ID: 662180). An algorithm developed to predict the effect of missense changes on protein structure and function (PolyPhen-2) suggests that this variant is likely to be disruptive. In summary, the available evidence is currently insufficient to determine the role of this variant in disease. Therefore, it has been classified as a Variant of Uncertain Significance.

Ambry Genetics
Classification: Uncertain significance for Hereditary cancer-predisposing syndrome. Last evaluated: 2024-10-04. Review status: criteria provided, single submitter. Criteria: Ambry Variant Classification Scheme 2023. Collection method: clinical testing. Allele origin: germline.